The following is an entry in ClinVar:

NM_005461.5(MAFB):c.448G>A (p.Val150Met)

Gene: MAFB (MAF bZIP transcription factor B; minus strand). Cytogenetic location: 20q12.
Variant type: single nucleotide variant.
Coding change: c.448G>A on transcript NM_005461.5 (MANE Select); coding-DNA position 448, G replaced by A.
Protein change: p.Val150Met; replaces valine 150 with methionine.
Molecular consequence: missense variant.
Genome position (GRCh38, 1-based): chr20:40,688,403, C>T on the plus strand (G>A on the coding strand, the complement: MAFB is on the minus strand). VCF-style: chr20-40688403-C-T. GRCh37 (hg19) VCF-style: chr20-39317043-C-T.
Other names: short protein forms V150M.
Identifiers: ClinVar variation 2252539 (VCV002252539.5), dbSNP rs756368724, ClinGen allele CA9857786.
Genomic context (GRCh38, chr20:40,688,403, plus strand): 5'-ACGCTTGGTGATGATGGTGATGGTGCGGGTGAGCGTGCGGGCCCAGCTCGTCGTGGGCCA[C>T]GCCGGCGCCCGGGTACGCGTGGTGCGGGTGAGGGTGGTGGTGATGGTGGTGGTGGTGAGC-3'
Protein context (NP_005452.2, residues 140-160): HPHHAYPGAG[Val150Met]AHDELGPHAH

ClinVar aggregate classification (germline): Uncertain significance. Review status: criteria provided, multiple submitters, no conflicts (2 of 4 stars). 2 submissions from 2 submitters: Uncertain significance (2). Last evaluated 2023-10-07.

Conditions:
Inborn genetic diseases. Identifiers: MedGen C0950123, MeSH D030342.

Allele frequency attached by ClinVar (database versions not stated): gnomAD 0.00001; gnomAD exomes 0.00001; ExAC 0.00002; TOPMed 0.00002.
gnomAD v4.1: 18 of 1,572,876 alleles (0.0011%); highest among the groups gnomAD compares: Non-Finnish European, 0.0014%; no homozygotes.

Submissions (2):

Labcorp Genetics (formerly Invitae), Labcorp
Classification: Uncertain significance. Last evaluated: 2023-10-07. Review status: criteria provided, single submitter. Criteria: Invitae Variant Classification Sherloc (09022015). Collection method: clinical testing. Allele origin: germline.
Comment: This sequence change replaces valine, which is neutral and non-polar, with methionine, which is neutral and non-polar, at codon 150 of the MAFB protein (p.Val150Met). The frequency data for this variant in the population databases is considered unreliable, as metrics indicate poor data quality at this position in the gnomAD database. This variant has not been reported in the literature in individuals affected with MAFB-related conditions. ClinVar contains an entry for this variant (Variation ID: 2252539). Advanced modeling of protein sequence and biophysical properties (such as structural, functional, and spatial information, amino acid conservation, physicochemical variation, residue mobility, and thermodynamic stability) performed at Invitae indicates that this missense variant is not expected to disrupt MAFB protein function. In summary, the available evidence is currently insufficient to determine the role of this variant in disease. Therefore, it has been classified as a Variant of Uncertain Significance.

Ambry Genetics
Classification: Uncertain significance for Inborn genetic diseases. Last evaluated: 2021-09-27. Review status: criteria provided, single submitter. Criteria: Ambry Variant Classification Scheme 2023. Collection method: clinical testing. Allele origin: germline.